The following is an entry in ClinVar:

NM_001009944.3(PKD1):c.8678C>T (p.Ser2893Phe)

Gene: PKD1 (polycystin 1, transient receptor potential channel interacting; minus strand). Cytogenetic location: 16p13.3.
Variant type: single nucleotide variant.
Coding change: c.8678C>T on transcript NM_001009944.3 (MANE Select); coding-DNA position 8678, C replaced by T.
Protein change: p.Ser2893Phe; replaces serine 2893 with phenylalanine.
Molecular consequence: missense variant.
Genome position (GRCh38, 1-based): chr16:2,103,379, G>A on the plus strand (C>T on the coding strand, the complement: PKD1 is on the minus strand). VCF-style: chr16-2103379-G-A. GRCh37 (hg19) VCF-style: chr16-2153380-G-A.
Other names: c.8678C>T, p.Ser2893Phe (NM_000296.4); short protein forms S2893F.
Identifiers: ClinVar variation 2593489 (VCV002593489.4), dbSNP rs759290287, ClinGen allele CA7830427.
Genomic context (GRCh38, chr16:2,103,379, plus strand): 5'-CTGTCCAGGGTGACCACAGCACCGACGGAGGCCTGGGGCTGGACCACAACGGAGTTGGCG[G>A]AGTTGGCGGAGCTGCGGTGGCCCCGGGCAGCCCAGTCCGAGTTGTTGGGCACCTTCACGG-3'
Protein context (NP_001009944.3, residues 2883-2903): AARGHRSSAN[Ser2893Phe]ANSVVVQPQA

ClinVar aggregate classification (germline): Uncertain significance. Review status: criteria provided, multiple submitters, no conflicts (2 of 4 stars). 2 submissions from 2 submitters: Uncertain significance (2). Last evaluated 2025-06-06.

Conditions:
Inborn genetic diseases. Identifiers: MedGen C0950123, MeSH D030342.

Allele frequency attached by ClinVar (database versions not stated): gnomAD exomes 0.00001; TOPMed 0.00001; gnomAD 0.00002; ExAC 0.00003.
gnomAD v4.1: 11 of 1,601,616 alleles (0.00069%); highest among the groups gnomAD compares: Middle Eastern, 0.022%; no homozygotes.

Submissions (2):

GeneDx
Classification: Uncertain significance. Last evaluated: 2025-06-06. Review status: criteria provided, single submitter. Criteria: GeneDx Variant Classification Process June 2021. Collection method: clinical testing. Allele origin: germline.
Comment: Not observed at significant frequency in large population cohorts (gnomAD); In silico analysis suggests that this missense variant does not alter protein structure/function; Has not been previously published as pathogenic or benign to our knowledge

Ambry Genetics
Classification: Uncertain significance for Inborn genetic diseases. Last evaluated: 2023-08-14. Review status: criteria provided, single submitter. Criteria: Ambry Variant Classification Scheme 2023. Collection method: clinical testing. Allele origin: germline.